The following is an entry in ClinVar:

ClinVar aggregate classification (germline): Uncertain significance. Review status: criteria provided, multiple submitters, no conflicts (2 of 4 stars). 4 submissions from 4 submitters: Uncertain significance (4). Last evaluated 2025-08-11.

Conditions:
Hypertrophic cardiomyopathy. Also called: HYPERTROPHIC MYOCARDIOPATHY. Identifiers: Orphanet 217569, MedGen C0007194, MeSH D002312, MONDO:0005045, HP:0001639.
Myopathy, myosin storage, autosomal recessive (CMYO7B). Also called: CONGENITAL MYOPATHY 7B, MYOSIN STORAGE, AUTOSOMAL RECESSIVE. Identifiers: Orphanet 636970, MedGen C1850709, MONDO:0009708, OMIM 255160.
Dilated cardiomyopathy 1S (CMD1S). Identifiers: Orphanet 154, Orphanet 54260, MedGen C1834481, MONDO:0013262, OMIM 613426.
Congenital myopathy with fiber type disproportion. Also called: Congenital fiber-type disproportion myopathy; Congenital fiber-type disproportion. Identifiers: Orphanet 2020, MedGen C0546264, MONDO:0009711. Inheritance: all.
Myosin storage myopathy (CMYO7A). Also called: MYOPATHY, HYALINE BODY, AUTOSOMAL DOMINANT; Scapuloperoneal myopathy, MYH7-related; MYOPATHY WITH LYSIS OF TYPE I MYOFIBRILS; SCAPULOPERONEAL MUSCULAR DYSTROPHY; SCAPULOPERONEAL SYNDROME, MYOPATHIC TYPE; MYH7-related late-onset scapuloperoneal muscular dystrophy. Identifiers: Orphanet 437572, Orphanet 636965, MedGen C1842160, MONDO:0008409, OMIM 608358.
MYH7-related skeletal myopathy. Also called: Myopathy, distal, 1; MYOPATHY, DISTAL, EARLY-ONSET, AUTOSOMAL DOMINANT; MYOPATHY, LATE DISTAL HEREDITARY; Laing distal myopathy; Laing early-onset distal myopathy. Identifiers: Orphanet 59135, MedGen C4552004, MONDO:0008050, OMIM 160500.
Hypertrophic cardiomyopathy 1 (CMH1). Also called: Familial hypertrophic cardiomyopathy 1; MYH7-Related Familial Hypertrophic Cardiomyopathy. Identifiers: MedGen C3495498, MONDO:0008647, OMIM 192600.
Cardiomyopathy (CMYO). Also called: Cardiomyopathies. Identifiers: Orphanet 167848, MedGen C0878544, MONDO:0004994, HP:0001638. Inheritance: Various modes of inheritance.

Allele frequency attached by ClinVar (database versions not stated): TOPMed 0.00002; ESP Exome Variant Server 0.00008.
gnomAD v4.1: 4 of 1,612,586 alleles (0.00025%); highest among the groups gnomAD compares: African/African-American, 0.0053%; no homozygotes.

Submissions (4):

Labcorp Genetics (formerly Invitae), Labcorp
Classification: Uncertain significance for Hypertrophic cardiomyopathy. Last evaluated: 2025-08-11. Review status: criteria provided, single submitter. Criteria: Invitae Variant Classification Sherloc (09022015). Collection method: clinical testing. Allele origin: germline.
Comment: This sequence change replaces glutamine, which is neutral and polar, with histidine, which is basic and polar, at codon 1098 of the MYH7 protein (p.Gln1098His). This variant is not present in population databases (gnomAD no frequency). This missense change has been observed in individual(s) with MYH7-related conditions (PMID: 30847666). ClinVar contains an entry for this variant (Variation ID: 925499). Invitae Evidence Modeling of protein sequence and biophysical properties (such as structural, functional, and spatial information, amino acid conservation, physicochemical variation, residue mobility, and thermodynamic stability) indicates that this missense variant is expected to disrupt MYH7 protein function with a positive predictive value of 95%. In summary, the available evidence is currently insufficient to determine the role of this variant in disease. Therefore, it has been classified as a Variant of Uncertain Significance.

All of Us Research Program, National Institutes of Health
Classification: Uncertain significance for Cardiomyopathy. Last evaluated: 2023-10-02. Review status: criteria provided, single submitter. Criteria: ACMG Guidelines, 2015. Collection method: clinical testing. Allele origin: germline. Inheritance: Autosomal dominant inheritance. Observed: 1 variant allele, 1 heterozygote.
Comment: This missense variant replaces glutamine with histidine at codon 1098 of the MYH7 protein. Computational prediction is inconclusive regarding the impact of this variant on protein structure and function (internally defined REVEL score threshold 0.5 < inconclusive < 0.7, PMID: 27666373). To our knowledge, functional studies have not been reported for this variant. This variant has been reported in two related individuals affected with hypertrophic cardiomyopathy (PMID: 30847666). This variant has not been identified in the general population by the Genome Aggregation Database (gnomAD). The available evidence is insufficient to determine the role of this variant in disease conclusively. Therefore, this variant is classified as a Variant of Uncertain Significance.

This study involves interpretation of variants in research participants for the purpose of population health screening. Participant phenotype was not available at the time of variant classification. Additional details can be found in publication PMID: 35346344, PMCID: PMC8962531

Color Diagnostics, LLC DBA Color Health
Classification: Uncertain significance for Cardiomyopathy. Last evaluated: 2023-09-14. Review status: criteria provided, single submitter. Criteria: ACMG Guidelines, 2015. Collection method: clinical testing. Allele origin: germline.
Comment: This missense variant replaces glutamine with histidine at codon 1098 of the MYH7 protein. Computational prediction is inconclusive regarding the impact of this variant on protein structure and function (internally defined REVEL score threshold 0.5 < inconclusive < 0.7, PMID: 27666373). To our knowledge, functional studies have not been reported for this variant. This variant has been reported in two related individuals affected with hypertrophic cardiomyopathy (PMID: 30847666). This variant has not been identified in the general population by the Genome Aggregation Database (gnomAD). The available evidence is insufficient to determine the role of this variant in disease conclusively. Therefore, this variant is classified as a Variant of Uncertain Significance.

Fulgent Genetics
Classification: Uncertain significance for MYH7-related skeletal myopathy; Myosin storage myopathy; Hypertrophic cardiomyopathy 1; Myopathy, myosin storage, autosomal recessive; Congenital myopathy 4A, autosomal dominant; Dilated cardiomyopathy 1S. Last evaluated: 2021-11-05. Review status: criteria provided, single submitter. Criteria: ACMG Guidelines, 2015. Collection method: clinical testing. Allele origin: unknown.

Literature cited by the submitters: PubMed 30847666 (cited by 3 submitters).

NM_000257.4(MYH7):c.3294G>T (p.Gln1098His)

Gene: MYH7 (myosin heavy chain 7; minus strand). Cytogenetic location: 14q11.2.
Variant type: single nucleotide variant.
Coding change: c.3294G>T on transcript NM_000257.4 (MANE Select); coding-DNA position 3294, G replaced by T.
Protein change: p.Gln1098His; replaces glutamine 1098 with histidine.
Molecular consequence: missense variant.
Genome position (GRCh38, 1-based): chr14:23,421,000, C>A on the plus strand (G>T on the coding strand, the complement: MYH7 is on the minus strand). VCF-style: chr14-23421000-C-A. GRCh37 (hg19) VCF-style: chr14-23890209-C-A.
Other names: short protein forms Q1098H.
Identifiers: ClinVar variation 925499 (VCV000925499.9), dbSNP rs375323916, ClinGen allele CA257816448.